The following is an entry in ClinVar:

NM_145239.3(PRRT2):c.649del (p.Arg217fs)

Genes: MVP-DT (MVP divergent transcript; minus strand), PRRT2 (proline rich transmembrane protein 2; plus strand). Cytogenetic location: 16p11.2.
Variant type: Deletion.
Coding change: c.649del on transcript NM_145239.3 (MANE Select); coding-DNA position 649, one base deleted (C; older notation c.649delC).
Protein change: p.Arg217fs; shifts the reading frame from arginine 217.
Molecular consequence: frameshift variant.
Genome position (GRCh38, 1-based): chr16:29,813,703, C deleted; the last of 9 consecutive C bases (chr16:29,813,695-29,813,703); deleting any one gives the same sequence. VCF-style (leftmost placement, unchanged base first): chr16-29813694-GC-G. GRCh37 (hg19) VCF-style: chr16-29825015-GC-G.
Other names: c.649del, p.Arg217fs (NM_001256442.2, NM_001256443.2); c.649delC (NM_145239.3, NM_001256442.1); c.641delC (NM_145239.2); short protein forms R217fs.
Identifiers: ClinVar variation 39752 (VCV000039752.93), dbSNP rs587778771, ClinGen allele CA261215.

ClinVar aggregate classification (germline): Pathogenic/Likely pathogenic. Review status: criteria provided, multiple submitters, no conflicts (2 of 4 stars). 33 submissions from 30 submitters: Pathogenic (24); Likely pathogenic (4). 5 of the submissions do not count toward it. Last evaluated 2026-08-06.

Conditions:
PRRT2-associated paroxysmal movement disorder. Identifiers: MedGen CN377744, MONDO:0100556.
Episodic kinesigenic dyskinesia (EKD). Also called: Paroxysmal kinesigenic dyskinesia. Identifiers: Orphanet 98809, MedGen C1868682, MONDO:0044202.
Inborn genetic diseases. Identifiers: MedGen C0950123, MeSH D030342.
PRRT2-Related Disorder. Also called: PRRT2-related disorders. Identifiers: MedGen CN381059.
Benign familial neonatal-infantile seizures 1. Also called: Seizures, benign familial infantile, 1. Identifiers: Orphanet 306, MedGen C4551769, MONDO:0042499, OMIM 601764.
Infantile convulsions and choreoathetosis (ICCA). Also called: PAROXYSMAL KINESIGENIC DYSKINESIA WITH INFANTILE CONVULSIONS; PRRT2-Related Paroxysmal Kinesigenic Dyskinesia with Infantile Convulsions (PKD/IC). Identifiers: Orphanet 31709, MedGen C1865926, MONDO:0011178, OMIM 602066.
Seizures, benign familial infantile, 2 (BFIS2). Also called: CONVULSIONS, BENIGN FAMILIAL INFANTILE, 2. Identifiers: Orphanet 306, MedGen C1853995, MONDO:0011593, OMIM 605751.
Episodic kinesigenic dyskinesia 1 (EKD1). Also called: PRRT2-Related Paroxysmal Kinesigenic Dyskinesia (PKD); DYSTONIA, FAMILIAL PAROXYSMAL; PAROXYSMAL KINESIGENIC CHOREOATHETOSIS; Dystonia 10; PxMD-PRRT2. Identifiers: Orphanet 98809, MedGen C4552000, MONDO:0100352, OMIM 128200, MONDO:0007494.
Epilepsy. Also called: Seizure disorder. Identifiers: MedGen C0014544, MeSH D004827, MONDO:0005027.

Submissions 1 to 10 of 33:

OLLIN Analises Genomicas, OLLIN
Classification: Pathogenic for Episodic kinesigenic dyskinesia 1. Last evaluated: 2026-08-06. Review status: criteria provided, single submitter. Criteria: ACMG Guidelines 2015 PMID 25741868. Collection method: clinical testing. Allele origin: germline. Inheritance: Autosomal dominant inheritance.
Comment: This frameshift variant, located in exon 2 (of 4), has been reported in ClinVar (accession VCV000039752.89), in gnomAD with an allele frequency of 0.17%, and in the scientific literature in individuals with PRRT2 related disorders (PMID: 27172900, 26598493). This variant causes a frameshift and introduces a premature stop codon, which is predicted to result in either a truncated protein or degradation of the mRNA via nonsense-mediated decay (NMD). Functional studies suggest that this variant may affect protein function (PMID: 27172900). According to the currently available evidence, this variant has been classified as pathogenic (PVS1, PS3_P, PS4).

PreventionGenetics, part of Exact Sciences
Classification: Pathogenic for PRRT2-related condition. Last evaluated: 2026-07-28. Review status: criteria provided, single submitter. Criteria: ACMG Guidelines, 2015. Collection method: clinical testing. Allele origin: germline.
Comment: The PRRT2 c.649delC variant is predicted to result in a frameshift and premature protein termination (p.Arg217Glufs*12). This variant has been reported in individuals with with paroxysmal kinesigenic dyskinesia (PKD), benign familial infantile epilepsy (BFIE), hemiplegic migraine, infantile convulsions with paroxysmal choreoathetosis (ICCA) and febrile seizures, and Dravet syndrome (see, for example, Méneret et al. 2012. PubMed ID: 22744660; Riant et al. 2012. PubMed ID: 23077016; Yang et al. 2013. PubMed ID: 24370076; He et al. 2014. PubMed ID: 25522171; Sampath et al. 2026. PubMed ID: 42269415). This variant segregated with PRRT2-related disorders in several families (Brueckner et al. 2014. PubMed ID: 24755245; Yang et al. 2013. PubMed ID: 24370076), and has also been reported as de novo in an individual with BFIE (Zheng and Lin. 2026. PubMed ID: 42266542). Functional studies demonstrate that this variant causes intracellular mislocalization and affects protein function (Liu et al. 2016. PubMed ID: 27172900). This variant is reported in 0.96% of alleles in individuals of Ashkenazi Jewish descent in gnomAD; however, the quality of this data is questionable and should be treated with caution. This variant is interpreted as likely pathogenic/pathogenic in ClinVar (Variation ID: 39752). This variant is classified as pathogenic.

Institute of Human Genetics, University of Leipzig Medical Center
Classification: Pathogenic for Seizures, benign familial infantile, 2. Last evaluated: 2026-06-26. Review status: criteria provided, single submitter. Criteria: ACMG Guidelines, 2015. Collection method: clinical testing. Allele origin: paternal. Inheritance: Autosomal dominant inheritance. Affected: yes.
Comment: Criteria applied: PVS1,PS4,PS3_SUP

Cytogénomique, Hospices Civils de Lyon
Classification: Pathogenic for Epilepsy. Last evaluated: 2026-02-23. Review status: criteria provided, single submitter. Criteria: ACMG Guidelines, 2015. Collection method: clinical testing. Allele origin: germline. Affected: yes.

Labcorp Genetics (formerly Invitae), Labcorp
Classification: Pathogenic for Episodic kinesigenic dyskinesia. Last evaluated: 2026-01-25. Review status: criteria provided, single submitter. Criteria: Invitae Variant Classification Sherloc (09022015). Collection method: clinical testing. Allele origin: germline.
Comment: This sequence change creates a premature translational stop signal (p.Arg217Glufs*12) in the PRRT2 gene. It is expected to result in an absent or disrupted protein product. Loss-of-function variants in PRRT2 are known to be pathogenic (PMID: 22623405, 22744660). The frequency data for this variant in the population databases is considered unreliable, as metrics indicate poor data quality at this position in the gnomAD database. This premature translational stop signal has been observed in individuals with PRRT2-related conditions (PMID: 22744660, 23077016, 24370076, 24755245, 25522171). It has also been observed to segregate with disease in related individuals. ClinVar contains an entry for this variant (Variation ID: 39752). For these reasons, this variant has been classified as Pathogenic.

CeGaT Center for Human Genetics Tuebingen
Classification: Pathogenic. Last evaluated: 2025-12-01. Review status: criteria provided, single submitter. Criteria: CeGaT Center For Human Genetics Tuebingen Variant Classification Criteria Version 2. Collection method: clinical testing. Allele origin: germline. Affected: yes. Observed: 15 variant alleles.
Comment: PRRT2: PVS1, PP1:Strong, PS4, PM2

3billion
Classification: Pathogenic for Episodic kinesigenic dyskinesia 1. Last evaluated: 2025-11-28. Review status: criteria provided, single submitter. Criteria: ACMG Guidelines, 2015. Collection method: clinical testing. Allele origin: germline. Affected: yes.
Comment: The variant is observed at an extremely low frequency in the gnomAD v4.1.0 dataset (total allele frequency: 0.174%). Predicted Consequence/Location: Frameshift: predicted to result in a loss or disruption of normal protein function through nonsense-mediated decay (NMD) or protein truncation. Multiple pathogenic variants are reported downstream of the variant. The variant has been reported at least twice as pathogenic with clinical assertions and evidence for the classification (ClinVar ID: VCV000039752 /PMID: 22744660 /3billion dataset). Therefore, this variant is classified as Pathogenic according to the recommendation of ACMG/AMP guideline.

Institute of Human Genetics, University of Leipzig Medical Center
Classification: Pathogenic for Benign familial neonatal-infantile seizures 1. Last evaluated: 2025-10-21. Review status: criteria provided, single submitter. Criteria: ACMG Guidelines, 2015. Collection method: clinical testing. Allele origin: unknown. Inheritance: Autosomal dominant inheritance. Affected: yes.
Comment: Criteria applied: PVS1,PS3_MOD, PS4_MOD

Genetics Department, Catlab
Classification: Pathogenic for Infantile convulsions and choreoathetosis; Episodic kinesigenic dyskinesia 1; Seizures, benign familial infantile, 2. Last evaluated: 2025-04-04. Review status: criteria provided, single submitter. Criteria: ACMG Guidelines, 2015. Collection method: clinical testing. Allele origin: germline. Affected: yes. Observed: 1 variant allele.
Comment: The c.649del variant in the PRRT2 gene is a loss of function variant predicted to undergo nonsense mediated decay, and loss of function variants have been described as a causing mechanism for the gene (PVS1). It has been observed in at multiple independent individuals with phenotypic variability (PMID:23077016;24370076;25522171;29215089) (PS4) and functional studies show a deterious effect of the variant in the protein function (PMID: 27172900) (PS3). With all the available evidence, the variant is classified as pathogenic.

Center for Genomic Medicine, Rigshospitalet, Copenhagen University Hospital
Classification: Likely pathogenic. Last evaluated: 2025-03-04. Review status: criteria provided, single submitter. Criteria: ACMG Guidelines, 2015. Collection method: clinical testing. Allele origin: germline.